The following is an entry in ClinVar:

NM_005204.4(MAP3K8):c.943G>C (p.Ala315Pro)

Gene: MAP3K8 (mitogen-activated protein kinase kinase kinase 8; plus strand). Cytogenetic location: 10p11.23.
Variant type: single nucleotide variant.
Coding change: c.943G>C on transcript NM_005204.4 (MANE Select); coding-DNA position 943, G replaced by C.
Protein change: p.Ala315Pro; replaces alanine 315 with proline.
Molecular consequence: missense variant.
Genome position (GRCh38, 1-based): chr10:30,458,153, G>C. VCF-style: chr10-30458153-G-C. GRCh37 (hg19) VCF-style: chr10-30747082-G-C.
Other names: c.943G>C, p.Ala315Pro (NM_001244134.1, NM_001320961.2); short protein forms A315P.
Identifiers: ClinVar variation 4716778 (VCV004716778.1).
Genomic context (GRCh38, chr10:30,458,153, plus strand): 5'-AGCCCAGAGGTCATCCTGTGCAGGGGCCATTCAACCAAAGCAGACATCTACAGCCTGGGG[G>C]CCACGCTCATCCACATGCAGACGGGCACCCCACCCTGGGTGAAGCGCTACCCTCGCTCAG-3'
Protein context (NP_005195.2, residues 305-325): STKADIYSLG[Ala315Pro]TLIHMQTGTP

ClinVar aggregate classification (germline): Uncertain significance (1 of 4 stars; one submission).

Submission:

Labcorp Genetics (formerly Invitae), Labcorp
Classification: Uncertain significance. Last evaluated: 2025-04-07. Review status: criteria provided, single submitter. Criteria: Invitae Variant Classification Sherloc (09022015). Collection method: clinical testing. Allele origin: germline.
Comment: This sequence change replaces alanine, which is neutral and non-polar, with proline, which is neutral and non-polar, at codon 315 of the MAP3K8 protein (p.Ala315Pro). This variant is not present in population databases (gnomAD no frequency). This variant has not been reported in the literature in individuals affected with MAP3K8-related conditions. An algorithm developed to predict the effect of missense changes on protein structure and function (PolyPhen-2) suggests that this variant is likely to be disruptive. In summary, the available evidence is currently insufficient to determine the role of this variant in disease. Therefore, it has been classified as a Variant of Uncertain Significance.